The following is an entry in ClinVar:

NM_004415.4(DSP):c.1970C>A (p.Thr657Asn)

Gene: DSP (desmoplakin; plus strand). Cytogenetic location: 6p24.3.
Variant type: single nucleotide variant.
Coding change: c.1970C>A on transcript NM_004415.4 (MANE Select); coding-DNA position 1970, C replaced by A.
Protein change: p.Thr657Asn; replaces threonine 657 with asparagine.
Molecular consequence: missense variant.
Genome position (GRCh38, 1-based): chr6:7,571,908, C>A. VCF-style: chr6-7571908-C-A. GRCh37 (hg19) VCF-style: chr6-7572141-C-A.
Other names: c.1970C>A, p.Thr657Asn (NM_001008844.3, NM_001319034.2); short protein forms T657N.
Identifiers: ClinVar variation 2059506 (VCV002059506.4), dbSNP rs1014373689, ClinGen allele CA133960358.

ClinVar aggregate classification (germline): Uncertain significance. Review status: criteria provided, multiple submitters, no conflicts (2 of 4 stars). 2 submissions from 2 submitters: Uncertain significance (2). Last evaluated 2024-01-22.

Conditions:
Arrhythmogenic cardiomyopathy with wooly hair and keratoderma. Also called: Arrhythmogenic cardiomyopathy with woolly hair and keratoderma; PALMOPLANTAR KERATODERMA WITH LEFT VENTRICULAR CARDIOMYOPATHY AND WOOLLY HAIR; Carvajal syndrome; Dilated cardiomyopathy with woolly hair and keratoderma. Identifiers: Orphanet 65282, MedGen C1854063, MONDO:0011581, OMIM 605676.
Arrhythmogenic right ventricular dysplasia 8 (ARVD8). Also called: ARRHYTHMOGENIC RIGHT VENTRICULAR DYSPLASIA, FAMILIAL, 8; ARRHYTHMOGENIC RIGHT VENTRICULAR CARDIOMYOPATHY 8; Arrhythmogenic Right Ventricular Dysplasia/Cardiomyopathy 8. Identifiers: MedGen C1843896, MONDO:0011831, OMIM 607450.
Cardiovascular phenotype. Identifiers: MedGen CN230736.

Allele frequency attached by ClinVar (database versions not stated): TOPMed below 0.00001.
gnomAD v4.1: 3 of 1,614,044 alleles (0.00019%); highest among the groups gnomAD compares: Non-Finnish European, 0.00025%; no homozygotes.

Submissions (2):

Ambry Genetics
Classification: Uncertain significance for Cardiovascular phenotype. Last evaluated: 2024-01-22. Review status: criteria provided, single submitter. Criteria: Ambry Variant Classification Scheme 2023. Collection method: clinical testing. Allele origin: germline.
Comment: The p.T657N variant (also known as c.1970C>A), located in coding exon 15 of the DSP gene, results from a C to A substitution at nucleotide position 1970. The threonine at codon 657 is replaced by asparagine, an amino acid with similar properties. This amino acid position is conserved. In addition, this alteration is predicted to be tolerated by in silico analysis. Based on the available evidence, the clinical significance of this alteration remains unclear.

Labcorp Genetics (formerly Invitae), Labcorp
Classification: Uncertain significance for Arrhythmogenic cardiomyopathy with wooly hair and keratoderma; Arrhythmogenic right ventricular dysplasia 8. Last evaluated: 2021-12-25. Review status: criteria provided, single submitter. Criteria: Invitae Variant Classification Sherloc (09022015). Collection method: clinical testing. Allele origin: germline.
Comment: In summary, the available evidence is currently insufficient to determine the role of this variant in disease. Therefore, it has been classified as a Variant of Uncertain Significance. Algorithms developed to predict the effect of missense changes on protein structure and function (SIFT, PolyPhen-2, Align-GVGD) all suggest that this variant is likely to be tolerated. This sequence change replaces threonine, which is neutral and polar, with asparagine, which is neutral and polar, at codon 657 of the DSP protein (p.Thr657Asn). This variant is not present in population databases (gnomAD no frequency). This variant has not been reported in the literature in individuals affected with DSP-related conditions.